The following is an entry in ClinVar:

NM_000637.5(GSR):c.67T>C (p.Phe23Leu)

Genes: GSR (glutathione-disulfide reductase; minus strand), LOC130000170 (ATAC-STARR-seq lymphoblastoid silent region 19083; plus strand). Cytogenetic location: 8p12.
Variant type: single nucleotide variant.
Coding change: c.67T>C on transcript NM_000637.5 (MANE Select); coding-DNA position 67, T replaced by C.
Protein change: p.Phe23Leu; replaces phenylalanine 23 with leucine.
Molecular consequence: missense variant.
Genome position (GRCh38, 1-based): chr8:30,727,769, A>G on the plus strand (T>C on the coding strand, the complement: GSR is on the minus strand). VCF-style: chr8-30727769-A-G. GRCh37 (hg19) VCF-style: chr8-30585286-A-G.
Other names: p.Phe23Leu; c.67T>C, p.Phe23Leu (NM_001195102.3, NM_001195103.3, NM_001195104.3); short protein forms F23L.
Identifiers: ClinVar variation 2683006 (VCV002683006.1), dbSNP rs1794320051, ClinGen allele CA370880661.

ClinVar aggregate classification (germline): Uncertain significance (1 of 4 stars; one submission).

Submission:

Mayo Clinic Laboratories, Mayo Clinic
Classification: Uncertain significance. Last evaluated: 2022-09-28. Review status: criteria provided, single submitter. Criteria: ACMG Guidelines, 2015. Collection method: clinical testing. Allele origin: germline. Observed: 1 variant allele.
Comment: BP4, PM2